The following is an entry in ClinVar:

NM_000051.4(ATM):c.2101C>T (p.Leu701Phe)

Gene: ATM (ATM serine/threonine kinase; plus strand). Cytogenetic location: 11q22.3.
Variant type: single nucleotide variant.
Coding change: c.2101C>T on transcript NM_000051.4 (MANE Select); coding-DNA position 2101, C replaced by T.
Protein change: p.Leu701Phe; replaces leucine 701 with phenylalanine.
Molecular consequence: missense variant.
Genome position (GRCh38, 1-based): chr11:108,254,016, C>T. VCF-style: chr11-108254016-C-T. GRCh37 (hg19) VCF-style: chr11-108124743-C-T.
Other names: c.2101C>T, p.Leu701Phe (NM_001351834.2); short protein forms L701F.
Identifiers: ClinVar variation 2679661 (VCV002679661.4), dbSNP rs2080316102, ClinGen allele CA382537682.

ClinVar aggregate classification (germline): Uncertain significance. Review status: criteria provided, multiple submitters, no conflicts (2 of 4 stars). 3 submissions from 3 submitters: Uncertain significance (3). Last evaluated 2024-09-17.

Conditions:
Ataxia-telangiectasia syndrome (AT). Also called: AT, COMPLEMENTATION GROUP C; Ataxia telangiectasia (A-T); Cerebello-oculocutaneous telangiectasia; Immunodeficiency with ataxia telangiectasia; LOUIS-BAR SYNDROME; ATAXIA-TELANGIECTASIA, COMPLEMENTATION GROUP A. Identifiers: Orphanet 100, MedGen C0004135, MONDO:0008840, OMIM 208900.
Familial cancer of breast. Also called: hereditary breast carcinoma; BREAST CANCER, FAMILIAL; Hereditary breast cancer. Identifiers: Orphanet 227535, MedGen C0346153, MONDO:0016419, OMIM 114480. Disease mechanism: loss of function.

Allele frequency attached by ClinVar (database versions not stated): gnomAD exomes below 0.00001.
gnomAD v4.1: 1 of 1,613,632 alleles (0.000062%); highest among the groups gnomAD compares: South Asian, 0.0011%; no homozygotes.

Submissions (3):

Department of Human Genetics, Hannover Medical School
Classification: Uncertain significance for Familial cancer of breast. Last evaluated: 2024-09-17. Review status: criteria provided, single submitter. Criteria: ACMG Guidelines, 2015. Collection method: clinical testing. Allele origin: germline. Affected: yes.

Labcorp Genetics (formerly Invitae), Labcorp
Classification: Uncertain significance for Ataxia-telangiectasia syndrome. Last evaluated: 2024-03-16. Review status: criteria provided, single submitter. Criteria: Invitae Variant Classification Sherloc (09022015). Collection method: clinical testing. Allele origin: germline.
Comment: This sequence change replaces leucine, which is neutral and non-polar, with phenylalanine, which is neutral and non-polar, at codon 701 of the ATM protein (p.Leu701Phe). This variant is not present in population databases (gnomAD no frequency). This variant has not been reported in the literature in individuals affected with ATM-related conditions. An algorithm developed to predict the effect of missense changes on protein structure and function (PolyPhen-2) suggests that this variant is likely to be disruptive. In summary, the available evidence is currently insufficient to determine the role of this variant in disease. Therefore, it has been classified as a Variant of Uncertain Significance.

Baylor Genetics
Classification: Uncertain significance for Familial cancer of breast. Last evaluated: 2023-09-23. Review status: criteria provided, single submitter. Criteria: ACMG Guidelines, 2015. Collection method: clinical testing. Allele origin: unknown.